The following is an entry in ClinVar:

NM_002439.5(MSH3):c.2065C>G (p.Leu689Val)

Gene: MSH3 (mutS homolog 3; plus strand). Cytogenetic location: 5q14.1.
Variant type: single nucleotide variant.
Coding change: c.2065C>G on transcript NM_002439.5 (MANE Select); coding-DNA position 2065, C replaced by G.
Protein change: p.Leu689Val; replaces leucine 689 with valine.
Molecular consequence: missense variant.
Genome position (GRCh38, 1-based): chr5:80,768,101, C>G. VCF-style: chr5-80768101-C-G. GRCh37 (hg19) VCF-style: chr5-80063920-C-G.
Other names: short protein forms L689V.
Identifiers: ClinVar variation 645388 (VCV000645388.11), dbSNP rs747667558, ClinGen allele CA360277946.

ClinVar aggregate classification (germline): Uncertain significance. Review status: criteria provided, multiple submitters, no conflicts (2 of 4 stars). 2 submissions from 2 submitters: Uncertain significance (2). Last evaluated 2024-04-22.

Conditions:
Hereditary cancer-predisposing syndrome. Also called: Hereditary Cancer Syndrome; Tumor predisposition; Hereditary neoplastic syndrome; Neoplastic Syndromes, Hereditary. Identifiers: Orphanet 140162, MedGen C0027672, MeSH D009386, MONDO:0015356.

Submissions (2):

Labcorp Genetics (formerly Invitae), Labcorp
Classification: Uncertain significance. Last evaluated: 2024-04-22. Review status: criteria provided, single submitter. Criteria: Invitae Variant Classification Sherloc (09022015). Collection method: clinical testing. Allele origin: germline.
Comment: This sequence change replaces leucine, which is neutral and non-polar, with valine, which is neutral and non-polar, at codon 689 of the MSH3 protein (p.Leu689Val). This variant is not present in population databases (gnomAD no frequency). This variant has not been reported in the literature in individuals affected with MSH3-related conditions. ClinVar contains an entry for this variant (Variation ID: 645388). An algorithm developed to predict the effect of missense changes on protein structure and function (PolyPhen-2) suggests that this variant is likely to be disruptive. In summary, the available evidence is currently insufficient to determine the role of this variant in disease. Therefore, it has been classified as a Variant of Uncertain Significance.

Ambry Genetics
Classification: Uncertain significance for Hereditary cancer-predisposing syndrome. Last evaluated: 2021-11-04. Review status: criteria provided, single submitter. Criteria: Ambry Variant Classification Scheme 2023. Collection method: clinical testing. Allele origin: germline.
Comment: The p.L689V variant (also known as c.2065C>G), located in coding exon 14 of the MSH3 gene, results from a C to G substitution at nucleotide position 2065. The leucine at codon 689 is replaced by valine, an amino acid with highly similar properties. This amino acid position is conserved. In addition, the in silico prediction for this alteration is inconclusive. Since supporting evidence is limited at this time, the clinical significance of this alteration remains unclear.